The following is an entry in ClinVar:

NM_000535.7(PMS2):c.1177G>A (p.Glu393Lys)

Gene: PMS2 (PMS1 homolog 2, mismatch repair system component; minus strand). Cytogenetic location: 7p22.1.
Variant type: single nucleotide variant.
Coding change: c.1177G>A on transcript NM_000535.7 (MANE Select); coding-DNA position 1177, G replaced by A.
Protein change: p.Glu393Lys; replaces glutamic acid 393 with lysine.
Molecular consequence: missense variant. On other transcripts: non-coding transcript variant (1).
Genome position (GRCh38, 1-based): chr7:5,987,588, C>T on the plus strand (G>A on the coding strand, the complement: PMS2 is on the minus strand). VCF-style: chr7-5987588-C-T. GRCh37 (hg19) VCF-style: chr7-6027219-C-T.
Other names: c.616G>A, p.Glu206Lys (NM_001322010.2); c.244G>A, p.Glu82Lys (NM_001322011.2, NM_001322012.2); c.604G>A, p.Glu202Lys (NM_001322013.2); c.1177G>A, p.Glu393Lys (NM_001322014.2); c.868G>A, p.Glu290Lys (NM_001322015.2); c.772G>A, p.Glu258Lys (NM_001322003.2, NM_001322004.2, NM_001322005.2 and 1 more transcripts); c.1021G>A, p.Glu341Lys (NM_001322006.2); c.859G>A, p.Glu287Lys (NM_001322007.2, NM_001322008.2); short protein forms E393K, E287K, E202K, E258K, E290K, E82K, E206K, E341K.
Identifiers: ClinVar variation 496029 (VCV000496029.6), dbSNP rs1243063129, ClinGen allele CA366742633.
Genomic context (GRCh38, chr7:5,987,588, plus strand): 5'-TTTTTTCTTCTCCAGTCCTTAATGAAGGGGATTGATCCTGCTTTTCTACCATGGGCTTTT[C>T]CAAATCCGCTGCATGCATTTTTATTAAGTTACCTAAGCAAACGTGGACGGAGAAGAGGGT-3'
Protein context (NP_000526.2, residues 383-403): NLIKMHAADL[Glu393Lys]KPMVEKQDQS

ClinVar aggregate classification (germline): Uncertain significance. Review status: criteria provided, multiple submitters, no conflicts (2 of 4 stars). 4 submissions from 4 submitters: Uncertain significance (4). Last evaluated 2025-11-05.

Conditions:
Hereditary cancer-predisposing syndrome. Also called: Tumor predisposition; Neoplastic Syndromes, Hereditary; Hereditary neoplastic syndrome; Hereditary Cancer Syndrome. Identifiers: Orphanet 140162, MedGen C0027672, MeSH D009386, MONDO:0015356.
Hereditary nonpolyposis colorectal neoplasms. Identifiers: MedGen C0009405, MeSH D003123.

Allele frequency attached by ClinVar (database versions not stated): TOPMed below 0.00001; gnomAD 0.00001.
gnomAD v4.1: 1 of 1,608,120 alleles (0.000062%); highest among the groups gnomAD compares: Non-Finnish European, 0.000085%; no homozygotes.

Submissions (4):

Ambry Genetics
Classification: Uncertain significance for Hereditary cancer-predisposing syndrome. Last evaluated: 2025-11-05. Review status: criteria provided, single submitter. Criteria: Ambry Variant Classification Scheme 2023. Collection method: clinical testing. Allele origin: germline.
Comment: The p.E393K variant (also known as c.1177G>A), located in coding exon 11 of the PMS2 gene, results from a G to A substitution at nucleotide position 1177. The glutamic acid at codon 393 is replaced by lysine, an amino acid with similar properties. This amino acid position is well conserved in available vertebrate species. In addition, the in silico prediction for this alteration is inconclusive. Based on the available evidence, the clinical significance of this variant remains unclear.

Color Diagnostics, LLC DBA Color Health
Classification: Uncertain significance for Hereditary cancer-predisposing syndrome. Last evaluated: 2025-06-25. Review status: criteria provided, single submitter. Criteria: ACMG Guidelines, 2015. Collection method: clinical testing. Allele origin: germline.
Comment: This missense variant replaces glutamic acid with lysine at codon 393 of the PMS2 protein. Computational prediction suggests that this variant may not impact protein structure and function. To our knowledge, functional studies have not been reported for this variant. This variant has not been reported in individuals affected with PMS2-related disorders in the literature. This variant has not been identified in the general population by the Genome Aggregation Database (gnomAD). The available evidence is insufficient to determine the role of this variant in disease conclusively. Therefore, this variant is classified as a Variant of Uncertain Significance.

Labcorp Genetics (formerly Invitae), Labcorp
Classification: Uncertain significance for Hereditary nonpolyposis colorectal neoplasms. Last evaluated: 2023-07-06. Review status: criteria provided, single submitter. Criteria: Invitae Variant Classification Sherloc (09022015). Collection method: clinical testing. Allele origin: germline.
Comment: In summary, the available evidence is currently insufficient to determine the role of this variant in disease. Therefore, it has been classified as a Variant of Uncertain Significance. Advanced modeling of protein sequence and biophysical properties (such as structural, functional, and spatial information, amino acid conservation, physicochemical variation, residue mobility, and thermodynamic stability) performed at Invitae indicates that this missense variant is not expected to disrupt PMS2 protein function. ClinVar contains an entry for this variant (Variation ID: 496029). This variant has not been reported in the literature in individuals affected with PMS2-related conditions. This variant is not present in population databases (gnomAD no frequency). This sequence change replaces glutamic acid, which is acidic and polar, with lysine, which is basic and polar, at codon 393 of the PMS2 protein (p.Glu393Lys).

Women's Health and Genetics/Laboratory Corporation of America, LabCorp
Classification: Uncertain significance. Last evaluated: 2016-10-06. Review status: criteria provided, single submitter. Criteria: LabCorp Variant Classification Summary - May 2015. Collection method: clinical testing. Allele origin: germline.
Comment: Variant summary: The PMS2 c.1177G>A (p.Glu393Lys) variant involves the alteration of a conserved nucleotide. 3/3 in silico tools predict a benign outcome for this variant (SNPs&GO not captured due to low reliability index). Glu393 is not located in a known functional domain and is not conserved across species, additionally, a Lys residue can be found at this position in fruit fly, all suggesting that missense changes at this position are tolerated. This variant was absent in 116794 control chromosomes and has not, to our knowledge, been reported in affected individuals via publications and/or reputable databases/clinical diagnostic laboratories; nor evaluated for functional impact by in vivo/vitro studies. Because of the absence of clinical information and the lack of functional studies, the variant is classified as a variant of uncertain significance (VUS) until additional information becomes available.